The following is an entry in ClinVar:

NM_001378120.1(MBD5):c.244G>T (p.Val82Leu)

Gene: MBD5 (methyl-CpG binding domain protein 5; plus strand). Cytogenetic location: 2q23.1.
Variant type: single nucleotide variant.
Coding change: c.244G>T on transcript NM_001378120.1 (MANE Select); coding-DNA position 244, G replaced by T.
Protein change: p.Val82Leu; replaces valine 82 with leucine.
Molecular consequence: missense variant.
Genome position (GRCh38, 1-based): chr2:148,463,766, G>T. VCF-style: chr2-148463766-G-T. GRCh37 (hg19) VCF-style: chr2-149221335-G-T.
Other names: c.244G>T, p.Val82Leu (NM_018328.5); short protein forms V82L.
Identifiers: ClinVar variation 2131495 (VCV002131495.4), dbSNP rs780463077, ClinGen allele CA1899844.

ClinVar aggregate classification (germline): Uncertain significance (1 of 4 stars; one submission).

Conditions:
Intellectual developmental disorder, autosomal dominant 1. Also called: Intellectual disability, autosomal dominant 1; MBD5 Haploinsufficiency. Identifiers: Orphanet 228402, MedGen C1969562, MONDO:0007974, OMIM 156200.

Allele frequency attached by ClinVar (database versions not stated): ExAC 0.00001; gnomAD exomes 0.00001.

Submission:

Labcorp Genetics (formerly Invitae), Labcorp
Classification: Uncertain significance for Intellectual developmental disorder, autosomal dominant 1. Last evaluated: 2022-04-28. Review status: criteria provided, single submitter. Criteria: Invitae Variant Classification Sherloc (09022015). Collection method: clinical testing. Allele origin: germline.
Comment: In summary, the available evidence is currently insufficient to determine the role of this variant in disease. Therefore, it has been classified as a Variant of Uncertain Significance. Algorithms developed to predict the effect of missense changes on protein structure and function are either unavailable or do not agree on the potential impact of this missense change (SIFT: "Deleterious"; PolyPhen-2: "Benign"; Align-GVGD: "Class C25"). This variant has not been reported in the literature in individuals affected with MBD5-related conditions. This variant is present in population databases (rs780463077, gnomAD 0.003%). This sequence change replaces valine, which is neutral and non-polar, with leucine, which is neutral and non-polar, at codon 82 of the MBD5 protein (p.Val82Leu).